The following is an entry in ClinVar:

ClinVar aggregate classification (germline): Uncertain significance (1 of 4 stars; one submission).

Submission:

Labcorp Genetics (formerly Invitae), Labcorp
Classification: Uncertain significance. Last evaluated: 2023-10-03. Review status: criteria provided, single submitter. Criteria: Invitae Variant Classification Sherloc (09022015). Collection method: clinical testing. Allele origin: germline.
Comment: This sequence change replaces valine, which is neutral and non-polar, with alanine, which is neutral and non-polar, at codon 17 of the C19orf70 protein (p.Val17Ala). This variant is not present in population databases (gnomAD no frequency). This variant has not been reported in the literature in individuals affected with C19orf70-related conditions. An algorithm developed to predict the effect of missense changes on protein structure and function (PolyPhen-2) suggests that this variant is likely to be tolerated. In summary, the available evidence is currently insufficient to determine the role of this variant in disease. Therefore, it has been classified as a Variant of Uncertain Significance.

NM_205767.3(MICOS13):c.50T>C (p.Val17Ala)

Genes: MICOS13 (mitochondrial contact site and cristae organizing system subunit 13; minus strand), LOC130063256 (ATAC-STARR-seq lymphoblastoid active region 13805; plus strand). Cytogenetic location: 19p13.3.
Variant type: single nucleotide variant.
Coding change: c.50T>C on transcript NM_205767.3 (MANE Select); coding-DNA position 50, T replaced by C.
Protein change: p.Val17Ala; replaces valine 17 with alanine.
Molecular consequence: missense variant.
Genome position (GRCh38, 1-based): chr19:5,679,743, A>G on the plus strand (T>C on the coding strand, the complement: MICOS13 is on the minus strand). VCF-style: chr19-5679743-A-G. GRCh37 (hg19) VCF-style: chr19-5679754-A-G.
Other names: c.116T>C, p.Val39Ala (NM_001308240.2, NM_001365761.2); short protein forms V17A, V39A.
Identifiers: ClinVar variation 2851815 (VCV002851815.3), dbSNP rs2512336968, ClinGen allele CA403542757.
Genomic context (GRCh38, chr19:5,679,743, plus strand): 5'-CTCTTGTCGCTGGGCCCCAGCAGCTCCTGGTCGTACACCAGGTAGACGGCGCCCCCAGCC[A>G]CACTTCCCTTGATGAGGAACCTGCGGGCAGGGACGGGAGGAGCAGAAGCTCAGCGGACAC-3'
Protein context (NP_991330.1, residues 7-27): SLMRFLIKGS[Val17Ala]AGGAVYLVYD